The following is an entry in ClinVar:

ClinVar aggregate classification (germline): Uncertain significance (1 of 4 stars; one submission).

Allele frequency attached by ClinVar (database versions not stated): TOPMed below 0.00001.
gnomAD v4.1: 2 of 1,614,092 alleles (0.00012%); highest among the groups gnomAD compares: African/African-American, 0.0013%; no homozygotes.

Submission:

Labcorp Genetics (formerly Invitae), Labcorp
Classification: Uncertain significance. Last evaluated: 2022-08-16. Review status: criteria provided, single submitter. Criteria: Invitae Variant Classification Sherloc (09022015). Collection method: clinical testing. Allele origin: germline.
Comment: In summary, the available evidence is currently insufficient to determine the role of this variant in disease. Therefore, it has been classified as a Variant of Uncertain Significance. Algorithms developed to predict the effect of missense changes on protein structure and function are either unavailable or do not agree on the potential impact of this missense change (SIFT: "Tolerated"; PolyPhen-2: "Probably Damaging"; Align-GVGD: "Class C0"). ClinVar contains an entry for this variant (Variation ID: 1436022). This variant has not been reported in the literature in individuals affected with NBAS-related conditions. This variant is not present in population databases (gnomAD no frequency). This sequence change replaces cysteine, which is neutral and slightly polar, with tyrosine, which is neutral and polar, at codon 1248 of the NBAS protein (p.Cys1248Tyr).

NM_015909.4(NBAS):c.3743G>A (p.Cys1248Tyr)

Gene: NBAS (NBAS subunit of NRZ tethering complex; minus strand). Cytogenetic location: 2p24.3.
Variant type: single nucleotide variant.
Coding change: c.3743G>A on transcript NM_015909.4 (MANE Select); coding-DNA position 3743, G replaced by A.
Protein change: p.Cys1248Tyr; replaces cysteine 1248 with tyrosine.
Molecular consequence: missense variant. On other transcripts: non-coding transcript variant (1).
Genome position (GRCh38, 1-based): chr2:15,366,654, C>T on the plus strand (G>A on the coding strand, the complement: NBAS is on the minus strand). VCF-style: chr2-15366654-C-T. GRCh37 (hg19) VCF-style: chr2-15506778-C-T.
Other names: short protein forms C1248Y.
Identifiers: ClinVar variation 1436022 (VCV001436022.8), dbSNP rs1674219529, ClinGen allele CA345894469.